The following is an entry in ClinVar:

NM_018082.6(POLR3B):c.1123G>T (p.Asp375Tyr)

Gene: POLR3B (RNA polymerase III subunit B; plus strand). Cytogenetic location: 12q23.3.
Variant type: single nucleotide variant.
Coding change: c.1123G>T on transcript NM_018082.6 (MANE Select); coding-DNA position 1123, G replaced by T.
Protein change: p.Asp375Tyr; replaces aspartic acid 375 with tyrosine.
Molecular consequence: missense variant.
Genome position (GRCh38, 1-based): chr12:106,427,218, G>T. VCF-style: chr12-106427218-G-T. GRCh37 (hg19) VCF-style: chr12-106820996-G-T.
Other names: c.949G>T, p.Asp317Tyr (NM_001160708.2); short protein forms D317Y, D375Y.
Identifiers: ClinVar variation 2576939 (VCV002576939.1), dbSNP rs2542104080, ClinGen allele CA386388098.

ClinVar aggregate classification (germline): Likely pathogenic (1 of 4 stars; one submission).

Submission:

GeneDx
Classification: Likely pathogenic. Last evaluated: 2023-08-14. Review status: criteria provided, single submitter. Criteria: GeneDx Variant Classification Process June 2021. Collection method: clinical testing. Allele origin: germline. Affected: yes.
Comment: Has not been previously published as pathogenic or benign to our knowledge; Not observed at significant frequency in large population cohorts (gnomAD); In silico analysis supports that this missense variant has a deleterious effect on protein structure/function